The following is an entry in ClinVar:

ClinVar aggregate classification (germline): Likely benign (0 of 4 stars; one submission).

Conditions:
DAAM2-related disorder. Also called: DAAM2-related condition.

gnomAD v4.1: 29 of 1,607,708 alleles (0.0018%); highest among the groups gnomAD compares: Admixed American, 0.0034%; no homozygotes.

Submission:

PreventionGenetics, part of Exact Sciences
Classification: Likely benign for DAAM2-related condition. Last evaluated: 2019-09-25. Review status: no assertion criteria provided. Collection method: clinical testing. Allele origin: germline.
Comment: This variant is classified as likely benign based on ACMG/AMP sequence variant interpretation guidelines (Richards et al. 2015 PMID: 25741868, with internal and published modifications).

NM_001201427.2(DAAM2):c.369G>T (p.Thr123=)

Gene: DAAM2 (dishevelled associated activator of morphogenesis 2; plus strand). Cytogenetic location: 6p21.2.
Variant type: single nucleotide variant.
Coding change: c.369G>T on transcript NM_001201427.2 (MANE Select); coding-DNA position 369, G replaced by T.
Protein change: p.Thr123=; no amino-acid change (threonine 123 retained).
Molecular consequence: synonymous variant.
Genome position (GRCh38, 1-based): chr6:39,865,015, G>T. VCF-style: chr6-39865015-G-T. GRCh37 (hg19) VCF-style: chr6-39832791-G-T.
Other names: c.369G>T, p.Thr123= (NM_015345.4).
Identifiers: ClinVar variation 3355881 (VCV003355881.1).